The following is an entry in ClinVar:

ClinVar aggregate classification (germline): Uncertain significance (1 of 4 stars; one submission).

gnomAD v4.1: 3 of 1,557,948 alleles (0.00019%); highest among the groups gnomAD compares: Non-Finnish European, 0.00026%; no homozygotes.

Submission:

GeneDx
Classification: Uncertain significance. Last evaluated: 2023-05-05. Review status: criteria provided, single submitter. Criteria: GeneDx Variant Classification Process June 2021. Collection method: clinical testing. Allele origin: germline. Affected: yes.
Comment: Not observed at significant frequency in large population cohorts (gnomAD); In silico analysis supports that this missense variant does not alter protein structure/function; Has not been previously published as pathogenic or benign to our knowledge

NM_003047.5(SLC9A1):c.2401C>T (p.His801Tyr)

Gene: SLC9A1 (solute carrier family 9 member A1; minus strand). Cytogenetic location: 1p36.11.
Variant type: single nucleotide variant.
Coding change: c.2401C>T on transcript NM_003047.5 (MANE Select); coding-DNA position 2401, C replaced by T.
Protein change: p.His801Tyr; replaces histidine 801 with tyrosine.
Molecular consequence: missense variant. On other transcripts: non-coding transcript variant (1).
Genome position (GRCh38, 1-based): chr1:27,100,354, G>A on the plus strand (C>T on the coding strand, the complement: SLC9A1 is on the minus strand). VCF-style: chr1-27100354-G-A. GRCh37 (hg19) VCF-style: chr1-27426845-G-A.
Other names: short protein forms H801Y.
Identifiers: ClinVar variation 3343342 (VCV003343342.1).